The following is an entry in ClinVar:

NM_018668.5(VPS33B):c.638A>T (p.Glu213Val)

Gene: VPS33B (VPS33B late endosome and lysosome associated; minus strand). Cytogenetic location: 15q26.1.
Variant type: single nucleotide variant.
Coding change: c.638A>T on transcript NM_018668.5 (MANE Select); coding-DNA position 638, A replaced by T.
Protein change: p.Glu213Val; replaces glutamic acid 213 with valine.
Molecular consequence: missense variant.
Genome position (GRCh38, 1-based): chr15:91,007,012, T>A on the plus strand (A>T on the coding strand, the complement: VPS33B is on the minus strand). VCF-style: chr15-91007012-T-A. GRCh37 (hg19) VCF-style: chr15-91550242-T-A.
Other names: c.365A>T, p.Glu122Val (NM_001289149.1); c.557A>T, p.Glu186Val (NM_001289148.1); short protein forms E186V, E213V, E122V.
Identifiers: ClinVar variation 2007633 (VCV002007633.4), dbSNP rs780064072, ClinGen allele CA7744974.

ClinVar aggregate classification (germline): Uncertain significance (1 of 4 stars; one submission).

Allele frequency attached by ClinVar (database versions not stated): gnomAD exomes below 0.00001; ExAC 0.00001.
gnomAD v4.1: 1 of 1,613,644 alleles (0.000062%); highest among the groups gnomAD compares: Admixed American, 0.0017%; no homozygotes.

Submission:

Labcorp Genetics (formerly Invitae), Labcorp
Classification: Uncertain significance. Last evaluated: 2025-06-12. Review status: criteria provided, single submitter. Criteria: Invitae Variant Classification Sherloc (09022015). Collection method: clinical testing. Allele origin: germline.
Comment: This sequence change replaces glutamic acid, which is acidic and polar, with valine, which is neutral and non-polar, at codon 213 of the VPS33B protein (p.Glu213Val). This variant is present in population databases (rs780064072, gnomAD 0.003%). This variant has not been reported in the literature in individuals affected with VPS33B-related conditions. ClinVar contains an entry for this variant (Variation ID: 2007633). Invitae Evidence Modeling of protein sequence and biophysical properties (such as structural, functional, and spatial information, amino acid conservation, physicochemical variation, residue mobility, and thermodynamic stability) indicates that this missense variant is not expected to disrupt VPS33B protein function with a negative predictive value of 80%. In summary, the available evidence is currently insufficient to determine the role of this variant in disease. Therefore, it has been classified as a Variant of Uncertain Significance.